The following is an entry in ClinVar:

ClinVar aggregate classification (germline): Uncertain significance (1 of 4 stars; one submission).

Submission:

Labcorp Genetics (formerly Invitae), Labcorp
Classification: Uncertain significance. Last evaluated: 2022-08-10. Review status: criteria provided, single submitter. Criteria: Invitae Variant Classification Sherloc (09022015). Collection method: clinical testing. Allele origin: germline.
Comment: ClinVar contains an entry for this variant (Variation ID: 1019775). In summary, the available evidence is currently insufficient to determine the role of this variant in disease. Therefore, it has been classified as a Variant of Uncertain Significance. Algorithms developed to predict the effect of missense changes on protein structure and function are either unavailable or do not agree on the potential impact of this missense change (SIFT: "Deleterious"; PolyPhen-2: "Benign"; Align-GVGD: "Class C0"). This variant has not been reported in the literature in individuals affected with REST-related conditions. This variant is not present in population databases (gnomAD no frequency). This sequence change replaces serine, which is neutral and polar, with glycine, which is neutral and non-polar, at codon 942 of the REST protein (p.Ser942Gly).

NM_005612.5(REST):c.2824A>G (p.Ser942Gly)

Gene: REST (RE1 silencing transcription factor; plus strand). Cytogenetic location: 4q12.
Variant type: single nucleotide variant.
Coding change: c.2824A>G on transcript NM_005612.5 (MANE Select); coding-DNA position 2824, A replaced by G.
Protein change: p.Ser942Gly; replaces serine 942 with glycine.
Molecular consequence: missense variant.
Genome position (GRCh38, 1-based): chr4:56,931,682, A>G. VCF-style: chr4-56931682-A-G. GRCh37 (hg19) VCF-style: chr4-57797848-A-G.
Other names: c.2824A>G, p.Ser942Gly (NM_001193508.2, NM_001363453.3); short protein forms S942G.
Identifiers: ClinVar variation 1019775 (VCV001019775.8), dbSNP rs61312656, ClinGen allele CA97637402.